The following is an entry in ClinVar:

NM_000815.5(GABRD):c.1133G>T (p.Arg378Leu)

Gene: GABRD (gamma-aminobutyric acid type A receptor subunit delta; plus strand). Cytogenetic location: 1p36.33.
Variant type: single nucleotide variant.
Coding change: c.1133G>T on transcript NM_000815.5 (MANE Select); coding-DNA position 1133, G replaced by T.
Protein change: p.Arg378Leu; replaces arginine 378 with leucine.
Molecular consequence: missense variant.
Genome position (GRCh38, 1-based): chr1:2,030,056, G>T. VCF-style: chr1-2030056-G-T. GRCh37 (hg19) VCF-style: chr1-1961495-G-T.
Other names: short protein forms R378L.
Identifiers: ClinVar variation 1980588 (VCV001980588.4), dbSNP rs749014692, ClinGen allele CA337960558.

ClinVar aggregate classification (germline): Uncertain significance (1 of 4 stars; one submission).

Conditions:
Idiopathic generalized epilepsy. Also called: EIG; Generalised epilepsy. Identifiers: MedGen C0270850, MONDO:0005579, OMIM 600669.

Submission:

Labcorp Genetics (formerly Invitae), Labcorp
Classification: Uncertain significance for Idiopathic generalized epilepsy. Last evaluated: 2022-09-06. Review status: criteria provided, single submitter. Criteria: Invitae Variant Classification Sherloc (09022015). Collection method: clinical testing. Allele origin: germline.
Comment: This sequence change replaces arginine, which is basic and polar, with leucine, which is neutral and non-polar, at codon 378 of the GABRD protein (p.Arg378Leu). This variant is present in population databases (no rsID available, gnomAD 0.003%). This variant has not been reported in the literature in individuals affected with GABRD-related conditions. Algorithms developed to predict the effect of missense changes on protein structure and function (SIFT, PolyPhen-2, Align-GVGD) all suggest that this variant is likely to be tolerated. In summary, the available evidence is currently insufficient to determine the role of this variant in disease. Therefore, it has been classified as a Variant of Uncertain Significance.